The following is an entry in ClinVar:

NM_001365276.2(TNXB):c.4894A>G (p.Ile1632Val)

Gene: TNXB (tenascin XB; minus strand). Cytogenetic location: 6p21.33.
Variant type: single nucleotide variant.
Coding change: c.4894A>G on transcript NM_001365276.2 (MANE Select); coding-DNA position 4894, A replaced by G.
Protein change: p.Ile1632Val; replaces isoleucine 1632 with valine.
Molecular consequence: missense variant.
Genome position (GRCh38, 1-based): chr6:32,072,086, T>C on the plus strand (A>G on the coding strand, the complement: TNXB is on the minus strand). VCF-style: chr6-32072086-T-C. GRCh37 (hg19) VCF-style: chr6-32039863-T-C.
Other names: p.Ile1632Val; c.4894A>G, p.Ile1632Val (NM_019105.8); short protein forms I1632V.
Identifiers: ClinVar variation 1219463 (VCV001219463.25), dbSNP rs766602645, ClinGen allele CA3734860.
Genomic context (GRCh38, chr6:32,072,086, plus strand): 5'-TCCCATCCTGGATCCCAAAGAGCAGGAACTTGTACTTGCGGGAGGGTTCCAGGTCAGGGA[T>C]AGTGACCTCCCGCTGATCTGCAGCCACGGGCACCACCTGGGGCTGCCCGTCCCTGTCCTT-3'
Protein context (NP_001352205.1, residues 1622-1642): PVAADQREVT[Ile1632Val]PDLEPSRKYK

ClinVar aggregate classification (germline): Conflicting classifications of pathogenicity. Review status: criteria provided, conflicting classifications (1 of 4 stars). 7 submissions from 7 submitters: Uncertain significance (5); Likely benign (2). Last evaluated 2026-03-18.

Conditions:
Ehlers-Danlos syndrome (EDS). Identifiers: Orphanet 98249, MedGen C0013720, MONDO:0020066.
Cardiovascular phenotype. Identifiers: MedGen CN230736.
Vesicoureteral reflux 8 (VUR8). Identifiers: Orphanet 289365, MedGen C4014831, MONDO:0014422, OMIM 615963.
Ehlers-Danlos syndrome due to tenascin-X deficiency (EDSCLL1). Also called: TNX DEFICIENCY; EHLERS-DANLOS SYNDROME, CLASSIC-LIKE; Ehlers-Danlos syndrome, classic-like, 1; TNXB-Related Classical-Like Ehlers-Danlos Syndrome; EDS DUE TO TNX DEFICIENCY. Identifiers: Orphanet 230839, MedGen C1848029, MONDO:0011670, OMIM 606408.

Allele frequency attached by ClinVar (database versions not stated): ExAC 0.00010; gnomAD 0.00013 and 0.00014; TOPMed 0.00014; gnomAD exomes 0.00015.
gnomAD v4.1: 191 of 1,613,016 alleles (0.012%); highest among the groups gnomAD compares: Middle Eastern, 0.016%; no homozygotes.

Submissions (7):

Women's Health and Genetics/Laboratory Corporation of America, LabCorp
Classification: Uncertain significance. Last evaluated: 2026-03-18. Review status: criteria provided, single submitter. Criteria: LabCorp Variant Classification Summary - May 2015. Collection method: clinical testing. Allele origin: germline.
Comment: Variant summary: TNXB c.4894A>G (p.Ile1632Val) results in a conservative amino acid change in the encoded protein sequence. Algorithms developed to predict the effect of missense changes on protein structure and function all suggest that this variant is likely to be tolerated. The variant allele was found at a frequency of 0.00015 in 247886 control chromosomes. This frequency is not significantly higher than estimated for disease-causing variants in TNXB, allowing no conclusion about variant significance. To our knowledge, no occurrence of c.4894A>G in individuals affected with TNXB-related conditions and no experimental evidence demonstrating its impact on protein function have been reported. ClinVar contains an entry for this variant (Variation ID: 1219463). Based on the evidence outlined above, the variant was classified as uncertain significance.

Mayo Clinic Laboratories, Mayo Clinic
Classification: Likely benign. Last evaluated: 2025-06-16. Review status: criteria provided, single submitter. Criteria: ACMG Guidelines, 2015. Collection method: clinical testing. Allele origin: germline. Observed: 2 variant alleles.
Comment: BS1, BP4_moderate

GeneDx
Classification: Uncertain significance. Last evaluated: 2025-06-12. Review status: criteria provided, single submitter. Criteria: GeneDx Variant Classification Process June 2021. Collection method: clinical testing. Allele origin: germline. Affected: yes.
Comment: Has not been previously published as pathogenic or benign to our knowledge; In silico analysis suggests that this missense variant does not alter protein structure/function

CeGaT Center for Human Genetics Tuebingen
Classification: Uncertain significance. Last evaluated: 2025-02-01. Review status: criteria provided, single submitter. Criteria: CeGaT Center For Human Genetics Tuebingen Variant Classification Criteria Version 2. Collection method: clinical testing. Allele origin: germline. Affected: yes. Observed: 1 variant allele.
Comment: TNXB: PM2, BP4

Fulgent Genetics
Classification: Uncertain significance for Ehlers-Danlos syndrome due to tenascin-X deficiency; Vesicoureteral reflux 8. Last evaluated: 2024-06-17. Review status: criteria provided, single submitter. Criteria: ACMG Guidelines, 2015. Collection method: clinical testing. Allele origin: germline.

Ambry Genetics
Classification: Likely benign for Cardiovascular phenotype. Last evaluated: 2022-07-21. Review status: criteria provided, single submitter. Criteria: Ambry Variant Classification Scheme 2023. Collection method: clinical testing. Allele origin: germline.

Genome Diagnostics Laboratory, The Hospital for Sick Children
Classification: Uncertain significance for Ehlers-Danlos syndrome. Last evaluated: 2020-01-01. Review status: criteria provided, single submitter. Criteria: ACMG Guidelines, 2015. Collection method: clinical testing. Allele origin: germline.